The following is an entry in ClinVar:

NM_005428.4(VAV1):c.1049C>T (p.Ala350Val)

Gene: VAV1 (vav guanine nucleotide exchange factor 1; plus strand). Cytogenetic location: 19p13.3.
Variant type: single nucleotide variant.
Coding change: c.1049C>T on transcript NM_005428.4 (MANE Select); coding-DNA position 1049, C replaced by T.
Protein change: p.Ala350Val; replaces alanine 350 with valine.
Molecular consequence: missense variant.
Genome position (GRCh38, 1-based): chr19:6,828,444, C>T. VCF-style: chr19-6828444-C-T. GRCh37 (hg19) VCF-style: chr19-6828455-C-T.
Other names: c.1049C>T, p.Ala350Val (NM_001258206.2); c.953C>T, p.Ala318Val (NM_001258207.2); short protein forms A350V, A318V.
Identifiers: ClinVar variation 1035552 (VCV001035552.10), dbSNP rs374026712, ClinGen allele CA9132433.

ClinVar aggregate classification (germline): Uncertain significance (1 of 4 stars; one submission).

Allele frequency attached by ClinVar (database versions not stated): TOPMed 0.00003; gnomAD 0.00004 and 0.00008; ESP Exome Variant Server 0.00008; gnomAD exomes 0.00009; ExAC 0.00012; 1000 Genomes Project 30x 0.00031; 1000 Genomes Project 0.00040.
gnomAD v4.1: 73 of 1,614,082 alleles (0.0045%); highest among the groups gnomAD compares: East Asian, 0.12%; 1 homozygote.

Submissions (5):

Labcorp Genetics (formerly Invitae), Labcorp
Classification: Uncertain significance. Last evaluated: 2025-12-01. Review status: criteria provided, single submitter. Criteria: Invitae Variant Classification Sherloc (09022015). Collection method: clinical testing. Allele origin: germline.
Comment: This sequence change replaces alanine, which is neutral and non-polar, with valine, which is neutral and non-polar, at codon 350 of the VAV1 protein (p.Ala350Val). This variant is present in population databases (rs374026712, gnomAD 0.08%), and has an allele count higher than expected for a pathogenic variant. This variant has not been reported in the literature in individuals affected with VAV1-related conditions. ClinVar contains an entry for this variant (Variation ID: 1035552). An algorithm developed to predict the effect of missense changes on protein structure and function outputs the following: PolyPhen-2: "Benign". The valine amino acid residue is found in multiple mammalian species, which suggests that this missense change does not adversely affect protein function. In summary, the available evidence is currently insufficient to determine the role of this variant in disease. Therefore, it has been classified as a Variant of Uncertain Significance.

Dr. Peter K. Rogan Lab, Western University
No classification provided (evidence only). Condition: Cervical cancer. Review status: no classification provided. Collection method: in vitro. Allele origin: not applicable. Functional consequence: retained intron. Not counted in ClinVar's aggregate classification.

Dr. Peter K. Rogan Lab, Western University
No classification provided (evidence only). Condition: Malignant lymphoma, large B-cell, diffuse. Review status: no classification provided. Collection method: in vitro. Allele origin: not applicable. Functional consequence: retained intron. Not counted in ClinVar's aggregate classification.

Dr. Peter K. Rogan Lab, Western University
No classification provided (evidence only). Condition: Gastric cancer. Review status: no classification provided. Collection method: in vitro. Allele origin: not applicable. Functional consequence: retained intron. Not counted in ClinVar's aggregate classification.

Dr. Peter K. Rogan Lab, Western University
No classification provided (evidence only). Condition: Gastric cancer. Review status: no classification provided. Collection method: in vitro. Allele origin: not applicable. Functional consequence: retained intron. Not counted in ClinVar's aggregate classification.